The following is an entry in ClinVar:

ClinVar aggregate classification (germline): Uncertain significance. Review status: criteria provided, multiple submitters, no conflicts (2 of 4 stars). 2 submissions from 2 submitters: Uncertain significance (2). Last evaluated 2023-05-15.

Conditions:
Malignant hyperthermia, susceptibility to, 1 (MHS1). Also called: RYR1-Related Malignant Hyperthermia Susceptibility; Anesthesia related hyperthermia; Malignant hyperpyrexia; Fulminating hyperpyrexia; Pharmacogenic myopathy; Malignant hyperthermia suceptibility 1. Identifiers: Orphanet 423, MedGen C2930980, MONDO:0007783, OMIM 145600.
RYR1-related disorder. Also called: RYR1-related disorders; RYR1-related condition. Identifiers: MedGen CN239331.

gnomAD v4.1: 4 of 1,614,184 alleles (0.00025%); highest among the groups gnomAD compares: Non-Finnish European, 0.00034%; no homozygotes.

Submissions (2):

All of Us Research Program, National Institutes of Health
Classification: Uncertain significance for Malignant hyperthermia, susceptibility to, 1. Last evaluated: 2023-05-15. Review status: criteria provided, single submitter. Criteria: ACMG Guidelines, 2015. Collection method: clinical testing. Allele origin: germline. Inheritance: Autosomal dominant inheritance. Observed: 1 variant allele, 1 heterozygote.
Comment: This missense variant replaces isoleucine with methionine at codon 3728 of the RYR1 protein. Computational prediction is inconclusive regarding the impact of this variant on protein structure and function (internally defined REVEL score threshold 0.5 < inconclusive < 0.7, PMID: 27666373). To our knowledge, functional studies have not been reported for this variant. This variant has not been reported in individuals affected with RYR1-related disorders in the literature. This variant has not been identified in the general population by the Genome Aggregation Database (gnomAD). The available evidence is insufficient to determine the role of this variant in disease conclusively. Therefore, this variant is classified as a Variant of Uncertain Significance.

This study involves interpretation of variants in research participants for the purpose of population health screening. Participant phenotype was not available at the time of variant classification. Additional details can be found in publication PMID: 35346344, PMCID: PMC8962531

Labcorp Genetics (formerly Invitae), Labcorp
Classification: Uncertain significance for RYR1-related disorder. Last evaluated: 2022-06-04. Review status: criteria provided, single submitter. Criteria: Invitae Variant Classification Sherloc (09022015). Collection method: clinical testing. Allele origin: germline.
Comment: This sequence change replaces isoleucine, which is neutral and non-polar, with methionine, which is neutral and non-polar, at codon 3728 of the RYR1 protein (p.Ile3728Met). This variant is not present in population databases (gnomAD no frequency). This variant has not been reported in the literature in individuals affected with RYR1-related conditions. ClinVar contains an entry for this variant (Variation ID: 653668). Advanced modeling of protein sequence and biophysical properties (such as structural, functional, and spatial information, amino acid conservation, physicochemical variation, residue mobility, and thermodynamic stability) performed at Invitae indicates that this missense variant is not expected to disrupt RYR1 protein function. In summary, the available evidence is currently insufficient to determine the role of this variant in disease. Therefore, it has been classified as a Variant of Uncertain Significance.

NM_000540.3(RYR1):c.11184C>G (p.Ile3728Met)

Gene: RYR1 (ryanodine receptor 1; plus strand). Cytogenetic location: 19q13.2.
Variant type: single nucleotide variant.
Coding change: c.11184C>G on transcript NM_000540.3 (MANE Select); coding-DNA position 11184, C replaced by G.
Protein change: p.Ile3728Met; replaces isoleucine 3728 with methionine.
Molecular consequence: missense variant.
Genome position (GRCh38, 1-based): chr19:38,532,532, C>G. VCF-style: chr19-38532532-C-G. GRCh37 (hg19) VCF-style: chr19-39023172-C-G.
Other names: c.11169C>G, p.Ile3723Met (NM_001042723.2); short protein forms I3723M, I3728M.
Identifiers: ClinVar variation 653668 (VCV000653668.3), dbSNP rs111200476, ClinGen allele CA405652559.